The following is an entry in ClinVar:

ClinVar aggregate classification (germline): Uncertain significance (0 of 4 stars; one submission).

Conditions:
SEMA3E-related disorder. Also called: SEMA3E-related condition.

gnomAD v4.1: 1 of 1,613,432 alleles (0.000062%); highest among the groups gnomAD compares: Non-Finnish European, 0.000085%; no homozygotes.

Submission:

PreventionGenetics, part of Exact Sciences
Classification: Uncertain significance for SEMA3E-related condition. Last evaluated: 2023-10-18. Review status: no assertion criteria provided. Collection method: clinical testing. Allele origin: germline.
Comment: The SEMA3E c.2065G>A variant is predicted to result in the amino acid substitution p.Asp689Asn. To our knowledge, this variant has not been reported in the literature or in a large population database, indicating this variant is rare. At this time, the clinical significance of this variant is uncertain due to the absence of conclusive functional and genetic evidence.

NM_012431.3(SEMA3E):c.2065G>A (p.Asp689Asn)

Gene: SEMA3E (semaphorin 3E; minus strand). Cytogenetic location: 7q21.11.
Variant type: single nucleotide variant.
Coding change: c.2065G>A on transcript NM_012431.3 (MANE Select); coding-DNA position 2065, G replaced by A.
Protein change: p.Asp689Asn; replaces aspartic acid 689 with asparagine.
Molecular consequence: missense variant.
Genome position (GRCh38, 1-based): chr7:83,367,849, C>T on the plus strand (G>A on the coding strand, the complement: SEMA3E is on the minus strand). VCF-style: chr7-83367849-C-T. GRCh37 (hg19) VCF-style: chr7-82997165-C-T.
Other names: c.1885G>A, p.Asp629Asn (NM_001178129.2); short protein forms D629N, D689N.
Identifiers: ClinVar variation 3354460 (VCV003354460.1).
Genomic context (GRCh38, chr7:83,367,849, plus strand): 5'-ATGGTTTTGCTCCCTGCGAGATGCTACTCTGAGCAGGACAAGGCATCCTGTGATGCCTGT[C>T]CTCCTCATCGTCCTTGTTAAACATATCCTCGACTTTCTCCTCTTCCACTACCTCCAAGGT-3'
Protein context (NP_036563.1, residues 679-699): EDMFNKDDEE[Asp689Asn]RHHRMPCPAQ